The following is an entry in ClinVar:

NM_004655.4(AXIN2):c.1648T>A (p.Tyr550Asn)

Gene: AXIN2 (axin 2; minus strand). Cytogenetic location: 17q24.1.
Variant type: single nucleotide variant.
Coding change: c.1648T>A on transcript NM_004655.4 (MANE Select); coding-DNA position 1648, T replaced by A.
Protein change: p.Tyr550Asn; replaces tyrosine 550 with asparagine.
Molecular consequence: missense variant.
Genome position (GRCh38, 1-based): chr17:65,537,388, A>T on the plus strand (T>A on the coding strand, the complement: AXIN2 is on the minus strand). VCF-style: chr17-65537388-A-T. GRCh37 (hg19) VCF-style: chr17-63533506-A-T.
Other names: c.1648T>A, p.Tyr550Asn (NM_001363813.1); short protein forms Y550N.
Identifiers: ClinVar variation 1715286 (VCV001715286.5), dbSNP rs571713474, ClinGen allele CA400677012.

ClinVar aggregate classification (germline): Uncertain significance (1 of 4 stars; one submission).

Conditions:
Oligodontia-cancer predisposition syndrome. Also called: TOOTH AGENESIS-COLORECTAL CANCER SYNDROME. Identifiers: Orphanet 300576, MedGen C1837750, MONDO:0012075, OMIM 608615. Disease mechanism: loss of function.

Submission:

Labcorp Genetics (formerly Invitae), Labcorp
Classification: Uncertain significance for Oligodontia-cancer predisposition syndrome. Last evaluated: 2022-08-06. Review status: criteria provided, single submitter. Criteria: Invitae Variant Classification Sherloc (09022015). Collection method: clinical testing. Allele origin: germline.
Comment: In summary, the available evidence is currently insufficient to determine the role of this variant in disease. Therefore, it has been classified as a Variant of Uncertain Significance. Algorithms developed to predict the effect of missense changes on protein structure and function (SIFT, PolyPhen-2, Align-GVGD) all suggest that this variant is likely to be tolerated. This variant has not been reported in the literature in individuals affected with AXIN2-related conditions. This variant is not present in population databases (gnomAD no frequency). This sequence change replaces tyrosine, which is neutral and polar, with asparagine, which is neutral and polar, at codon 550 of the AXIN2 protein (p.Tyr550Asn).